The following is an entry in ClinVar:

NM_014339.7(IL17RA):c.2443G>A (p.Glu815Lys)

Gene: IL17RA (interleukin 17 receptor A; plus strand). Cytogenetic location: 22q11.1.
Variant type: single nucleotide variant.
Coding change: c.2443G>A on transcript NM_014339.7 (MANE Select); coding-DNA position 2443, G replaced by A.
Protein change: p.Glu815Lys; replaces glutamic acid 815 with lysine.
Molecular consequence: missense variant.
Genome position (GRCh38, 1-based): chr22:17,109,662, G>A. VCF-style: chr22-17109662-G-A. GRCh37 (hg19) VCF-style: chr22-17590552-G-A.
Other names: c.2443G>A (NM_014339.5); c.2341G>A, p.Glu781Lys (NM_001289905.2); short protein forms E781K, E815K.
Identifiers: ClinVar variation 1432867 (VCV001432867.8), dbSNP rs181691316, ClinGen allele CA321155107.

ClinVar aggregate classification (germline): Uncertain significance. Review status: criteria provided, multiple submitters, no conflicts (2 of 4 stars). 2 submissions from 2 submitters: Uncertain significance (2). Last evaluated 2023-11-11.

Conditions:
Immunodeficiency 51 (IMD51). Also called: CANDIDIASIS, FAMILIAL, 5. Identifiers: Orphanet 1334, MedGen C4310803, MONDO:0013500, OMIM 613953.

Allele frequency attached by ClinVar (database versions not stated): gnomAD exomes below 0.00001; gnomAD 0.00001; 1000 Genomes Project 30x 0.00016.
gnomAD v4.1: 7 of 1,604,820 alleles (0.00044%); highest among the groups gnomAD compares: Admixed American, 0.01%; no homozygotes.

Submissions (2):

Labcorp Genetics (formerly Invitae), Labcorp
Classification: Uncertain significance for Immunodeficiency 51. Last evaluated: 2023-11-11. Review status: criteria provided, single submitter. Criteria: Invitae Variant Classification Sherloc (09022015). Collection method: clinical testing. Allele origin: germline.
Comment: This sequence change replaces glutamic acid, which is acidic and polar, with lysine, which is basic and polar, at codon 815 of the IL17RA protein (p.Glu815Lys). This variant is present in population databases (rs181691316, gnomAD 0.003%). This variant has not been reported in the literature in individuals affected with IL17RA-related conditions. ClinVar contains an entry for this variant (Variation ID: 1432867). Algorithms developed to predict the effect of missense changes on protein structure and function output the following: SIFT: "Not Available"; PolyPhen-2: "Possibly Damaging"; Align-GVGD: "Not Available". The lysine amino acid residue is found in multiple mammalian species, which suggests that this missense change does not adversely affect protein function. In summary, the available evidence is currently insufficient to determine the role of this variant in disease. Therefore, it has been classified as a Variant of Uncertain Significance.

Ambry Genetics
Classification: Uncertain significance. Last evaluated: 2023-09-20. Review status: criteria provided, single submitter. Criteria: Ambry Variant Classification Scheme 2023. Collection method: clinical testing. Allele origin: germline.